The following is an entry in ClinVar:

NM_001005242.3(PKP2):c.2228T>G (p.Leu743Arg)

Gene: PKP2 (plakophilin 2; minus strand). Cytogenetic location: 12p11.21.
Variant type: single nucleotide variant.
Coding change: c.2228T>G on transcript NM_001005242.3 (MANE Select); coding-DNA position 2228, T replaced by G.
Protein change: p.Leu743Arg; replaces leucine 743 with arginine.
Molecular consequence: missense variant.
Genome position (GRCh38, 1-based): chr12:32,796,238, A>C on the plus strand (T>G on the coding strand, the complement: PKP2 is on the minus strand). VCF-style: chr12-32796238-A-C. GRCh37 (hg19) VCF-style: chr12-32949172-A-C.
Other names: c.2360T>G, p.Leu787Arg (NM_004572.4); short protein forms L787R, L743R.
Identifiers: ClinVar variation 45066 (VCV000045066.21), dbSNP rs145553222, ClinGen allele CA011955.

ClinVar aggregate classification (germline): Uncertain significance. Review status: criteria provided, multiple submitters, no conflicts (2 of 4 stars). 5 submissions from 5 submitters: Uncertain significance (5). Last evaluated 2024-09-23.

Conditions:
Arrhythmogenic right ventricular cardiomyopathy (ARVD). Also called: Arrhythmogenic right ventricular dysplasia; Arrhythmogenic cardiomyopathy; Arrhythmogenic Right Ventricular Cardiomyopathy (ARVC); Cardiomyopathy, ARVC. Identifiers: Orphanet 247, MedGen C0349788, MeSH D019571, MONDO:0016587. Disease mechanism: loss of function. Inheritance: Various modes of inheritance.
Cardiomyopathy (CMYO). Also called: Cardiomyopathies. Identifiers: Orphanet 167848, MedGen C0878544, MONDO:0004994, HP:0001638. Inheritance: Various modes of inheritance.
Arrhythmogenic right ventricular dysplasia 9 (ARVD9). Also called: ARRHYTHMOGENIC RIGHT VENTRICULAR DYSPLASIA, FAMILIAL, 9; Arrhythmogenic Right Ventricular Dysplasia/Cardiomyopathy 9. Identifiers: MedGen C1836906, MONDO:0012180, OMIM 609040.

Allele frequency attached by ClinVar (database versions not stated): ESP Exome Variant Server 0.00008.
gnomAD v4.1: 10 of 1,613,918 alleles (0.00062%); highest among the groups gnomAD compares: Non-Finnish European, 0.00085%; no homozygotes.

Submissions (5):

Labcorp Genetics (formerly Invitae), Labcorp
Classification: Uncertain significance for Arrhythmogenic right ventricular dysplasia 9. Last evaluated: 2024-09-23. Review status: criteria provided, single submitter. Criteria: Invitae Variant Classification Sherloc (09022015). Collection method: clinical testing. Allele origin: germline.
Comment: This sequence change replaces leucine, which is neutral and non-polar, with arginine, which is basic and polar, at codon 787 of the PKP2 protein (p.Leu787Arg). This variant is not present in population databases (gnomAD no frequency). This variant has not been reported in the literature in individuals affected with PKP2-related conditions. ClinVar contains an entry for this variant (Variation ID: 45066). An algorithm developed to predict the effect of missense changes on protein structure and function (PolyPhen-2) suggests that this variant is likely to be disruptive. In summary, the available evidence is currently insufficient to determine the role of this variant in disease. Therefore, it has been classified as a Variant of Uncertain Significance.

GeneDx
Classification: Uncertain significance. Last evaluated: 2024-06-27. Review status: criteria provided, single submitter. Criteria: GeneDx Variant Classification Process June 2021. Collection method: clinical testing. Allele origin: germline. Affected: yes.
Comment: Not observed at significant frequency in large population cohorts (gnomAD); In silico analysis indicates that this missense variant does not alter protein structure/function; Has not been previously published as pathogenic or benign to our knowledge

Color Diagnostics, LLC DBA Color Health
Classification: Uncertain significance for Cardiomyopathy. Last evaluated: 2024-03-06. Review status: criteria provided, single submitter. Criteria: ACMG Guidelines, 2015. Collection method: clinical testing. Allele origin: germline.
Comment: This missense variant replaces leucine with arginine at codon 787 of the PKP2 protein. Computational prediction suggests that this variant may not impact protein structure and function (internally defined REVEL score threshold <= 0.5, PMID: 27666373). To our knowledge, functional studies have not been reported for this variant. This variant has not been reported in individuals affected with cardiovascular disorders in the literature. This variant has not been identified in the general population by the Genome Aggregation Database (gnomAD). The available evidence is insufficient to determine the role of this variant in disease conclusively. Therefore, this variant is classified as a Variant of Uncertain Significance.

All of Us Research Program, National Institutes of Health
Classification: Uncertain significance for Arrhythmogenic right ventricular cardiomyopathy. Last evaluated: 2023-03-23. Review status: criteria provided, single submitter. Criteria: ACMG Guidelines, 2015. Collection method: clinical testing. Allele origin: germline. Inheritance: Autosomal dominant inheritance. Observed: 2 variant alleles, 2 heterozygotes.
Comment: This missense variant replaces leucine with arginine at codon 787 of the PKP2 protein. Computational prediction suggests that this variant may not impact protein structure and function (internally defined REVEL score threshold <= 0.5, PMID: 27666373). To our knowledge, functional studies have not been reported for this variant. This variant has not been reported in individuals affected with cardiovascular disorders in the literature. This variant has not been identified in the general population by the Genome Aggregation Database (gnomAD). The available evidence is insufficient to determine the role of this variant in disease conclusively. Therefore, this variant is classified as a Variant of Uncertain Significance.

This study involves interpretation of variants in research participants for the purpose of population health screening. Participant phenotype was not available at the time of variant classification. Additional details can be found in publication PMID: 35346344, PMCID: PMC8962531

Laboratory for Molecular Medicine, Mass General Brigham Personalized Medicine
Classification: Uncertain significance. Last evaluated: 2012-06-25. Review status: criteria provided, single submitter. Criteria: LMM Criteria. Collection method: clinical testing. Allele origin: germline. Observed: 1 variant allele.
Comment: The Leu787Arg variant in PKP2 has been identified in 1/8600 European American ch romosomes in a broad population by the NHLBI Exome Sequencing Project (s.; rs145553222). This could represent a presymptomatic ind ividual. Computational analyses (biochemical amino acid properties, conservation , AlignGVGD, PolyPhen2, and SIFT) suggest that the Leu787Arg variant may not imp act the protein, though this information is not predictive enough to rule out pa thogenicity. In summary, additional information is needed to establish the clini cal significance of this variant.